The following is an entry in ClinVar:

NM_017654.4(SAMD9):c.423G>C (p.Glu141Asp)

Gene: SAMD9 (sterile alpha motif domain containing 9; minus strand). Cytogenetic location: 7q21.2.
Variant type: single nucleotide variant.
Coding change: c.423G>C on transcript NM_017654.4 (MANE Select); coding-DNA position 423, G replaced by C.
Protein change: p.Glu141Asp; replaces glutamic acid 141 with aspartic acid.
Molecular consequence: missense variant.
Genome position (GRCh38, 1-based): chr7:93,105,675, C>G on the plus strand (G>C on the coding strand, the complement: SAMD9 is on the minus strand). VCF-style: chr7-93105675-C-G. GRCh37 (hg19) VCF-style: chr7-92734988-C-G.
Other names: c.423G>C, p.Glu141Asp (NM_001193307.2); short protein forms E141D.
Identifiers: ClinVar variation 4159139 (VCV004159139.1).

ClinVar aggregate classification (germline): Uncertain significance (1 of 4 stars; one submission).

Conditions:
Inborn genetic diseases. Identifiers: MedGen C0950123, MeSH D030342.

Submission:

Ambry Genetics
Classification: Uncertain significance for Inborn genetic diseases. Last evaluated: 2025-08-09. Review status: criteria provided, single submitter. Criteria: Ambry Variant Classification Scheme 2023. Collection method: clinical testing. Allele origin: germline.
Comment: The p.E141D variant (also known as c.423G>C), located in coding exon 1 of the SAMD9 gene, results from a G to C substitution at nucleotide position 423. The glutamic acid at codon 141 is replaced by aspartic acid, an amino acid with highly similar properties. This amino acid position is conserved. In addition, this alteration is predicted to be tolerated by in silico analysis. Based on the available evidence, the clinical significance of this variant remains unclear.